The following is an entry in ClinVar:

NM_174916.3(UBR1):c.985+2T>C

Gene: UBR1 (ubiquitin protein ligase E3 component n-recognin 1; minus strand). Cytogenetic location: 15q15.2.
Variant type: single nucleotide variant.
Coding change: c.985+2T>C on transcript NM_174916.3 (MANE Select); the canonical splice donor site of the intron after coding-DNA position 985, T replaced by C.
Molecular consequence: splice donor variant.
Genome position (GRCh38, 1-based): chr15:43,059,700, A>G on the plus strand (T>C on the coding strand, the complement: UBR1 is on the minus strand). VCF-style: chr15-43059700-A-G. GRCh37 (hg19) VCF-style: chr15-43351898-A-G.
Identifiers: ClinVar variation 2827265 (VCV002827265.3), dbSNP rs2543012612, ClinGen allele CA392077271.

ClinVar aggregate classification (germline): Likely pathogenic (1 of 4 stars; one submission).

Allele frequency attached by ClinVar (database versions not stated): gnomAD exomes below 0.00001.
gnomAD v4.1: 1 of 1,614,020 alleles (0.000062%); highest among the groups gnomAD compares: Non-Finnish European, 0.000085%; no homozygotes.

Submission:

Labcorp Genetics (formerly Invitae), Labcorp
Classification: Likely pathogenic. Last evaluated: 2023-01-09. Review status: criteria provided, single submitter. Criteria: Invitae Variant Classification Sherloc (09022015). Collection method: clinical testing. Allele origin: germline.
Comment: In summary, the currently available evidence indicates that the variant is pathogenic, but additional data are needed to prove that conclusively. Therefore, this variant has been classified as Likely Pathogenic. Algorithms developed to predict the effect of sequence changes on RNA splicing suggest that this variant may disrupt the consensus splice site. This variant has not been reported in the literature in individuals affected with UBR1-related conditions. This variant is not present in population databases (gnomAD no frequency). This sequence change affects a donor splice site in intron 8 of the UBR1 gene. It is expected to disrupt RNA splicing. Variants that disrupt the donor or acceptor splice site typically lead to a loss of protein function (PMID: 16199547), and loss-of-function variants in UBR1 are known to be pathogenic (PMID: 24599544).

Literature cited by the submitters: PubMed 16199547; PubMed 24599544.